The following is an entry in ClinVar:

ClinVar aggregate classification (germline): Uncertain significance. Review status: criteria provided, multiple submitters, no conflicts (2 of 4 stars). 4 submissions from 4 submitters: Uncertain significance (4). Last evaluated 2025-04-09.

Conditions:
BARD1-related cancer predisposition. Identifiers: MedGen CN377756, MONDO:0700267.
Hereditary cancer-predisposing syndrome. Also called: Hereditary neoplastic syndrome; Tumor predisposition; Hereditary Cancer Syndrome; Neoplastic Syndromes, Hereditary. Identifiers: Orphanet 140162, MedGen C0027672, MeSH D009386, MONDO:0015356.
Familial cancer of breast. Also called: hereditary breast carcinoma; Hereditary breast cancer; BREAST CANCER, FAMILIAL. Identifiers: Orphanet 227535, MedGen C0346153, MONDO:0016419, OMIM 114480. Disease mechanism: loss of function.

Allele frequency attached by ClinVar (database versions not stated): gnomAD exomes below 0.00001; TOPMed below 0.00001; ExAC 0.00001; gnomAD 0.00001.
gnomAD v4.1: 15 of 1,613,882 alleles (0.00093%); highest among the groups gnomAD compares: Non-Finnish European, 0.0013%; no homozygotes.

Submissions (4):

Labcorp Genetics (formerly Invitae), Labcorp
Classification: Uncertain significance for Familial cancer of breast. Last evaluated: 2025-04-09. Review status: criteria provided, single submitter. Criteria: Invitae Variant Classification Sherloc (09022015). Collection method: clinical testing. Allele origin: germline.
Comment: This sequence change replaces aspartic acid, which is acidic and polar, with asparagine, which is neutral and polar, at codon 500 of the BARD1 protein (p.Asp500Asn). This variant is present in population databases (rs779468443, gnomAD 0.0009%). This missense change has been observed in individual(s) with breast cancer (PMID: 32986223). ClinVar contains an entry for this variant (Variation ID: 220666). An algorithm developed to predict the effect of missense changes on protein structure and function (PolyPhen-2) suggests that this variant is likely to be disruptive. In summary, the available evidence is currently insufficient to determine the role of this variant in disease. Therefore, it has been classified as a Variant of Uncertain Significance.

Color Diagnostics, LLC DBA Color Health
Classification: Uncertain significance for Hereditary cancer-predisposing syndrome. Last evaluated: 2024-03-06. Review status: criteria provided, single submitter. Criteria: ACMG Guidelines, 2015. Collection method: clinical testing. Allele origin: germline.
Comment: This missense variant replaces aspartic acid with asparagine at codon 500 of the BARD1 protein. Computational prediction suggests that this variant may not impact protein structure and function (internally defined REVEL score threshold <= 0.5, PMID: 27666373). To our knowledge, functional studies have not been reported for this variant. This variant has not been reported in individuals affected with hereditary cancer in the literature. This variant has been identified in 1/251338 chromosomes in the general population by the Genome Aggregation Database (gnomAD). The available evidence is insufficient to determine the role of this variant in disease conclusively. Therefore, this variant is classified as a Variant of Uncertain Significance.

Ambry Genetics
Classification: Uncertain significance for Hereditary cancer-predisposing syndrome. Last evaluated: 2023-12-29. Review status: criteria provided, single submitter. Criteria: Ambry Variant Classification Scheme 2023. Collection method: clinical testing. Allele origin: germline.
Comment: The p.D500N variant (also known as c.1498G>A), located in coding exon 6 of the BARD1 gene, results from a G to A substitution at nucleotide position 1498. The aspartic acid at codon 500 is replaced by asparagine, an amino acid with highly similar properties. This amino acid position is highly conserved in available vertebrate species. In addition, this alteration is predicted to be tolerated by in silico analysis. Since supporting evidence is limited at this time, the clinical significance of this alteration remains unclear.

Department of Pathology and Laboratory Medicine, Sinai Health System
Classification: Uncertain significance for BARD1-related cancer predisposition. Last evaluated: 2023-10-03. Review status: criteria provided, single submitter. Criteria: ACMG Guidelines, 2015. Collection method: clinical testing. Allele origin: germline. Affected: no.

Literature cited by the submitters: PubMed 32986223 (cited by Labcorp Genetics (formerly Invitae), Labcorp).

NM_000465.4(BARD1):c.1498G>A (p.Asp500Asn)

Gene: BARD1 (BRCA1 associated RING domain 1; minus strand). Cytogenetic location: 2q35.
Variant type: single nucleotide variant.
Coding change: c.1498G>A on transcript NM_000465.4 (MANE Select); coding-DNA position 1498, G replaced by A.
Protein change: p.Asp500Asn; replaces aspartic acid 500 with asparagine.
Molecular consequence: missense variant. On other transcripts: non-coding transcript variant (3), intron variant (3).
Genome position (GRCh38, 1-based): chr2:214,767,552, C>T on the plus strand (G>A on the coding strand, the complement: BARD1 is on the minus strand). VCF-style: chr2-214767552-C-T. GRCh37 (hg19) VCF-style: chr2-215632276-C-T.
Other names: c.1441G>A, p.Asp481Asn (NM_001282543.2); c.159-14997G>A (NM_001282548.2); c.216-14997G>A (NM_001282545.2); c.364+24745G>A (NM_001282549.2); short protein forms D500N, D481N.
Identifiers: ClinVar variation 220666 (VCV000220666.16), dbSNP rs779468443, ClinGen allele CA349630.